The following is an entry in ClinVar:

NM_000138.5(FBN1):c.5007C>T (p.Asn1669=)

Gene: FBN1 (fibrillin 1; minus strand). Cytogenetic location: 15q21.1.
Variant type: single nucleotide variant.
Coding change: c.5007C>T on transcript NM_000138.5 (MANE Select); coding-DNA position 5007, C replaced by T.
Protein change: p.Asn1669=; no amino-acid change (asparagine 1669 retained).
Molecular consequence: synonymous variant.
Genome position (GRCh38, 1-based): chr15:48,463,957, G>A on the plus strand (C>T on the coding strand, the complement: FBN1 is on the minus strand). VCF-style: chr15-48463957-G-A. GRCh37 (hg19) VCF-style: chr15-48756154-G-A.
Identifiers: ClinVar variation 919222 (VCV000919222.6), dbSNP rs1267512714, ClinGen allele CA490026010.
Genomic context (GRCh38, chr15:48,463,957, plus strand): 5'-ACCCATGCAATTATTTCCCCCATTCACTTGCATGTAGTCTGGAGGACAGATACAGGTGTA[G>A]TTGCCAACGGTGTTGTAACATGTCCCTGGACCACAGATTCCAGGAGTCTCACATTCATTC-3'
Protein context (NP_000129.3, residues 1659-1679): GPGTCYNTVG[Asn1669=]YTCICPPDYM

ClinVar aggregate classification (germline): Likely benign. Review status: criteria provided, multiple submitters, no conflicts (2 of 4 stars). 3 submissions from 3 submitters: Likely benign (3). Last evaluated 2023-10-02.

Conditions:
Familial thoracic aortic aneurysm and aortic dissection (TAAD). Also called: Thoracic aortic aneurysms and dissections. Identifiers: Orphanet 91387, MedGen C4707243, MONDO:0019625.
Marfan syndrome (MFS). Also called: Marfan syndrome, classic; Marfan syndrome type 1; Marfan's syndrome; FBN1-Related Marfan Syndrome; MARFAN SYNDROME, TYPE I. Identifiers: Orphanet 284963, Orphanet 558, MedGen C0024796, MONDO:0007947, OMIM 154700.

Allele frequency attached by ClinVar (database versions not stated): gnomAD exomes below 0.00001; TOPMed 0.00001; gnomAD 0.00001.
gnomAD v4.1: 5 of 1,613,586 alleles (0.00031%); highest among the groups gnomAD compares: East Asian, 0.0045%; no homozygotes.

Submissions (3):

All of Us Research Program, National Institutes of Health
Classification: Likely benign for Marfan syndrome. Last evaluated: 2023-10-02. Review status: criteria provided, single submitter. Criteria: ACMG Guidelines, 2015. Collection method: clinical testing. Allele origin: germline. Inheritance: Autosomal dominant inheritance. Observed: 2 variant alleles, 2 heterozygotes.
Comment: This study involves interpretation of variants in research participants for the purpose of population health screening. Participant phenotype was not available at the time of variant classification. Additional details can be found in publication PMID: 35346344, PMCID: PMC8962531

Labcorp Genetics (formerly Invitae), Labcorp
Classification: Likely benign for Marfan syndrome; Familial thoracic aortic aneurysm and aortic dissection. Last evaluated: 2022-12-22. Review status: criteria provided, single submitter. Criteria: Invitae Variant Classification Sherloc (09022015). Collection method: clinical testing. Allele origin: germline.

Color Diagnostics, LLC DBA Color Health
Classification: Likely benign for Familial thoracic aortic aneurysm and aortic dissection. Last evaluated: 2019-10-15. Review status: criteria provided, single submitter. Criteria: ACMG Guidelines, 2015. Collection method: clinical testing. Allele origin: germline.